The following is an entry in ClinVar:

NM_000354.6(SERPINA7):c.1244C>T (p.Ala415Val)

Gene: SERPINA7 (serpin family A member 7; minus strand). Cytogenetic location: Xq22.3.
Variant type: single nucleotide variant.
Coding change: c.1244C>T on transcript NM_000354.6 (MANE Select); coding-DNA position 1244, C replaced by T.
Protein change: p.Ala415Val; replaces alanine 415 with valine.
Molecular consequence: missense variant.
Genome position (GRCh38, 1-based): chrX:106,033,504, G>A on the plus strand (C>T on the coding strand, the complement: SERPINA7 is on the minus strand). VCF-style: chrX-106033504-G-A. GRCh37 (hg19) VCF-style: chrX-105277495-G-A.
Other names: short protein forms A415V.
Identifiers: ClinVar variation 2661129 (VCV002661129.24), dbSNP rs199754692, ClinGen allele CA10481623.
Genomic context (GRCh38, chrX:106,033,504, plus strand): 5'-TTATTTATTTCCCATTGCAATACACACGTGCAATTAGCCAATGGCCTTTTTCCCAACTAC[G>A]CTTCCGTTGGGTTCACAACTTTCCCTAGAAAGAGAATACTCCTTGTGCTTCTCTCCAAAA-3'
Protein context (NP_000345.2, residues 405-415): FLGKVVNPTE[Ala415Val]

ClinVar aggregate classification (germline): Likely benign (1 of 4 stars; one submission).

Allele frequency attached by ClinVar (database versions not stated): ExAC 0.00011; gnomAD 0.00015; TOPMed 0.00017.
gnomAD v4.1: 115 of 1,208,700 alleles (0.0095%); highest among the groups gnomAD compares: Admixed American, 0.0044%; 1 homozygote.

Submission:

CeGaT Center for Human Genetics Tuebingen
Classification: Likely benign. Last evaluated: 2023-02-01. Review status: criteria provided, single submitter. Criteria: CeGaT Center For Human Genetics Tuebingen Variant Classification Criteria Version 2. Collection method: clinical testing. Allele origin: germline. Affected: yes. Observed: 1 variant allele.
Comment: SERPINA7: BP4, BS2